The following is an entry in ClinVar:

ClinVar aggregate classification (germline): Conflicting classifications of pathogenicity. Review status: criteria provided, conflicting classifications (1 of 4 stars). 2 submissions from 2 submitters: Uncertain significance (1); Likely benign (1). Last evaluated 2024-07-02.

Allele frequency attached by ClinVar (database versions not stated): ExAC 0.00001; gnomAD exomes 0.00001; gnomAD 0.00002 and 0.00003; TOPMed 0.00003.
gnomAD v4.1: 45 of 1,609,426 alleles (0.0028%); highest among the groups gnomAD compares: African/African-American, 0.0094%; 1 homozygote.

Submissions (2):

Labcorp Genetics (formerly Invitae), Labcorp
Classification: Uncertain significance. Last evaluated: 2024-07-02. Review status: criteria provided, single submitter. Criteria: Invitae Variant Classification Sherloc (09022015). Collection method: clinical testing. Allele origin: germline.
Comment: This sequence change replaces alanine, which is neutral and non-polar, with threonine, which is neutral and polar, at codon 1054 of the MYH14 protein (p.Ala1054Thr). The frequency data for this variant in the population databases is considered unreliable, as metrics indicate poor data quality at this position in the gnomAD database. This variant has not been reported in the literature in individuals affected with MYH14-related conditions. ClinVar contains an entry for this variant (Variation ID: 1200801). Advanced modeling of protein sequence and biophysical properties (such as structural, functional, and spatial information, amino acid conservation, physicochemical variation, residue mobility, and thermodynamic stability) performed at Invitae indicates that this missense variant is not expected to disrupt MYH14 protein function with a negative predictive value of 80%. In summary, the available evidence is currently insufficient to determine the role of this variant in disease. Therefore, it has been classified as a Variant of Uncertain Significance.

GeneDx
Classification: Likely benign. Last evaluated: 2019-12-30. Review status: criteria provided, single submitter. Criteria: GeneDx Variant Classification Process June 2021. Collection method: clinical testing. Allele origin: germline. Affected: yes.
Comment: In silico analysis, which includes protein predictors and evolutionary conservation, supports that this variant does not alter protein structure/function; Has not been previously published as pathogenic or benign to our knowledge

NM_001145809.2(MYH14):c.3283G>A (p.Ala1095Thr)

Gene: MYH14 (myosin heavy chain 14; plus strand). Cytogenetic location: 19q13.33.
Variant type: single nucleotide variant.
Coding change: c.3283G>A on transcript NM_001145809.2 (MANE Select); coding-DNA position 3283, G replaced by A.
Protein change: p.Ala1095Thr; replaces alanine 1095 with threonine.
Molecular consequence: missense variant.
Genome position (GRCh38, 1-based): chr19:50,271,960, G>A. VCF-style: chr19-50271960-G-A. GRCh37 (hg19) VCF-style: chr19-50775217-G-A.
Other names: c.3184G>A, p.Ala1062Thr (NM_001077186.2); c.3160G>A, p.Ala1054Thr (NM_024729.4); short protein forms A1054T, A1062T, A1095T.
Identifiers: ClinVar variation 1200801 (VCV001200801.5), dbSNP rs754916277, ClinGen allele CA9593165.
Genomic context (GRCh38, chr19:50,271,960, plus strand): 5'-GAGGAGGAGGAGAAGGTCAAGAGCCTCAATAAGCTACGGCTCAAATATGAGGCCACAATC[G>A]CAGACATGGAGGGTGAGCTCCCGCCCAGCCAGTAGGGGTCTGTGTGTGCTCTAATGGGGG-3'
Protein context (NP_001139281.1, residues 1085-1105): KLRLKYEATI[Ala1095Thr]DMEDRLRKEE